The following is an entry in ClinVar:

ClinVar aggregate classification (germline): Uncertain significance (1 of 4 stars; one submission).

Submission:

GeneDx
Classification: Uncertain significance. Last evaluated: 2022-12-08. Review status: criteria provided, single submitter. Criteria: GeneDx Variant Classification Process June 2021. Collection method: clinical testing. Allele origin: germline. Affected: yes.
Comment: Has not been previously published as pathogenic or benign to our knowledge; Not observed at significant frequency in large population cohorts (gnomAD); In silico analysis supports that this missense variant does not alter protein structure/function

NM_144991.3(TSPEAR):c.1519C>T (p.Leu507Phe)

Gene: TSPEAR (thrombospondin type laminin G domain and EAR repeats; minus strand). Cytogenetic location: 21q22.3.
Variant type: single nucleotide variant.
Coding change: c.1519C>T on transcript NM_144991.3 (MANE Select); coding-DNA position 1519, C replaced by T.
Protein change: p.Leu507Phe; replaces leucine 507 with phenylalanine.
Molecular consequence: missense variant.
Genome position (GRCh38, 1-based): chr21:44,521,930, G>A on the plus strand (C>T on the coding strand, the complement: TSPEAR is on the minus strand). VCF-style: chr21-44521930-G-A. GRCh37 (hg19) VCF-style: chr21-45941813-G-A.
Other names: c.1315C>T, p.Leu439Phe (NM_001272037.2); short protein forms L439F, L507F.
Identifiers: ClinVar variation 2504711 (VCV002504711.1), dbSNP rs2517363079, ClinGen allele CA410436704.